The following is an entry in ClinVar:

NM_001844.5(COL2A1):c.1636G>A (p.Gly546Ser)

Gene: COL2A1 (collagen type II alpha 1 chain; minus strand). Cytogenetic location: 12q13.11.
Variant type: single nucleotide variant.
Coding change: c.1636G>A on transcript NM_001844.5 (MANE Select); coding-DNA position 1636, G replaced by A.
Protein change: p.Gly546Ser; replaces glycine 546 with serine.
Molecular consequence: missense variant.
Genome position (GRCh38, 1-based): chr12:47,985,772, C>T on the plus strand (G>A on the coding strand, the complement: COL2A1 is on the minus strand). VCF-style: chr12-47985772-C-T. GRCh37 (hg19) VCF-style: chr12-48379555-C-T.
Other names: c.1429G>A, p.Gly477Ser (NM_033150.3); short protein forms G546S, G477S.
Identifiers: ClinVar variation 290774 (VCV000290774.20), dbSNP rs886044555, ClinGen allele CA10606903.

ClinVar aggregate classification (germline): Pathogenic/Likely pathogenic. Review status: criteria provided, multiple submitters, no conflicts (2 of 4 stars). 6 submissions from 6 submitters: Pathogenic (5); Likely pathogenic (1). Last evaluated 2026-02-05.

Conditions:
Inborn genetic diseases. Identifiers: MedGen C0950123, MeSH D030342.
COL2A1-related disorder. Also called: COL2A1-related condition; COL2A1-related disorders.
Achondrogenesis type II (ACG2). Also called: ACHONDROGENESIS, LANGER-SALDINO TYPE; CHONDROGENESIS IMPERFECTA. Identifiers: Orphanet 932, Orphanet 93296, MedGen C0220685, MONDO:0008702, OMIM 200610.

Submissions (6):

GeneDx
Classification: Pathogenic. Last evaluated: 2026-02-05. Review status: criteria provided, single submitter. Criteria: GeneDx Variant Classification Process June 2021. Collection method: clinical testing. Allele origin: germline. Affected: yes.
Comment: Also known as G346S; Reported as heterozygous in five individuals with spondyloepiphyseal dysplasia congenita from one family (PMID: 24736929); In silico analysis supports that this missense variant has a deleterious effect on protein structure/function; Not observed at significant frequency in large population cohorts (gnomAD); Occurs in the triple helical domain and replaces a glycine in a canonical Gly-X-Y repeat; missense substitution of a canonical glycine residue is expected to disrupt normal protein folding and function, and this is an established mechanism of disease (PMID: 34007986); This variant is associated with the following publications: (PMID: 28738883, 24013370, 27059630, 38702915, 37806643, 34007986, 24736929)

Labcorp Genetics (formerly Invitae), Labcorp
Classification: Pathogenic. Last evaluated: 2025-11-08. Review status: criteria provided, single submitter. Criteria: Invitae Variant Classification Sherloc (09022015). Collection method: clinical testing. Allele origin: germline.
Comment: This sequence change replaces glycine, which is neutral and non-polar, with serine, which is neutral and polar, at codon 546 of the COL2A1 protein (p.Gly546Ser). This variant is not present in population databases (gnomAD no frequency). This missense change has been observed in individual(s) with autosomal dominant spondyloepiphyseal dysplasia congenita and spondyloepimetaphyseal dysplasia, Strudwick type (PMID: 24736929, 28738883). In at least one individual the variant was observed to be de novo. It has also been observed to segregate with disease in related individuals. ClinVar contains an entry for this variant (Variation ID: 290774). Invitae Evidence Modeling of protein sequence and biophysical properties (such as structural, functional, and spatial information, amino acid conservation, physicochemical variation, residue mobility, and thermodynamic stability) indicates that this missense variant is expected to disrupt COL2A1 protein function with a positive predictive value of 95%. This variant disrupts the triple helix domain of COL2A1. Glycine residues within the Gly-Xaa-Yaa repeats of the triple helix domain are required for the structure and stability of fibrillar collagens (PMID: 7695699, 8218237, 19344236). In COL2A1, variants affecting these glycine residues are significantly enriched in individuals with disease (PMID: 9016532, 17078022) compared to the general population (ExAC). For these reasons, this variant has been classified as Pathogenic.

Women's Health and Genetics/Laboratory Corporation of America, LabCorp
Classification: Pathogenic for Achondrogenesis type II. Last evaluated: 2024-01-23. Review status: criteria provided, single submitter. Criteria: LabCorp Variant Classification Summary - May 2015. Collection method: clinical testing. Allele origin: germline.
Comment: Variant summary: COL2A1 c.1636G>A (p.Gly546Ser) results in a non-conservative amino acid change in the encoded protein sequence. Five of five in-silico tools predict a damaging effect of the variant on protein function. The variant was absent in 249234 control chromosomes (gnomAD). c.1636G>A has been reported in the literature in multiple individuals affected with skeletal dysplasia and spondyloepiphyseal dysplasia congenita with evidence of cosegregation with disease (Xu_2014, Chen_2017). These data indicate that the variant is very likely to be associated with disease. The following publications have been ascertained in the context of this evaluation (PMID: 24736929, 28738883). ClinVar contains an entry for this variant (Variation ID: 290774). Based on the evidence outlined above, the variant was classified as pathogenic.

Blueprint Genetics
Classification: Pathogenic for COL2A1-related disorders. Last evaluated: 2019-10-31. Review status: criteria provided, single submitter. Criteria: ACMG Guidelines, 2015. Collection method: clinical testing. Allele origin: germline. Affected: yes. Observed: 4 variant alleles.

Ambry Genetics
Classification: Likely pathogenic for Inborn genetic diseases. Last evaluated: 2017-08-10. Review status: criteria provided, single submitter. Criteria: Ambry exome assertion method (8-5-2015). Collection method: clinical testing. Allele origin: germline. Affected: yes. Observed: 1 variant allele.

Eurofins Ntd Llc (ga)
Classification: Pathogenic. Last evaluated: 2016-09-01. Review status: criteria provided, single submitter. Criteria: EGL Classification Definitions 2015. Collection method: clinical testing. Allele origin: germline. Observed: 2 variant alleles, 2 heterozygotes.

Literature cited by the submitters: PubMed 24736929 (cited by 3 submitters); PubMed 28738883 (cited by Labcorp Genetics (formerly Invitae), Labcorp and Women's Health and Genetics/Laboratory Corporation of America, LabCorp); PubMed 7695699 (cited by Labcorp Genetics (formerly Invitae), Labcorp); PubMed 8218237 (cited by Labcorp Genetics (formerly Invitae), Labcorp); PubMed 19344236 (cited by Labcorp Genetics (formerly Invitae), Labcorp); PubMed 9016532 (cited by Labcorp Genetics (formerly Invitae), Labcorp); PubMed 17078022 (cited by Labcorp Genetics (formerly Invitae), Labcorp).